The following is an entry in ClinVar:

NM_018669.6(WDR4):c.197C>T (p.Ala66Val)

Gene: WDR4 (WDR4 tRNA N7-guanosine methyltransferase non-catalytic subunit; minus strand). Cytogenetic location: 21q22.3.
Variant type: single nucleotide variant.
Coding change: c.197C>T on transcript NM_018669.6 (MANE Select); coding-DNA position 197, C replaced by T.
Protein change: p.Ala66Val; replaces alanine 66 with valine.
Molecular consequence: missense variant. On other transcripts: 5 prime UTR variant (3), non-coding transcript variant (1).
Genome position (GRCh38, 1-based): chr21:42,873,650, G>A on the plus strand (C>T on the coding strand, the complement: WDR4 is on the minus strand). VCF-style: chr21-42873650-G-A. GRCh37 (hg19) VCF-style: chr21-44293760-G-A.
Other names: c.197C>T, p.Ala66Val (NM_001260474.2, NM_033661.5); c.-190C>T (NM_001260475.2, NM_001260476.2, NM_001260477.2); short protein forms A66V.
Identifiers: ClinVar variation 5031759 (VCV005031759.1).

ClinVar aggregate classification (germline): Uncertain significance (1 of 4 stars; one submission).

Conditions:
Inborn genetic diseases. Identifiers: MedGen C0950123, MeSH D030342.

gnomAD v4.1: 344 of 1,613,964 alleles (0.021%); highest among the groups gnomAD compares: Non-Finnish European, 0.026%; no homozygotes.

Submission:

Ambry Genetics
Classification: Uncertain significance for Inborn genetic diseases. Last evaluated: 2026-07-27. Review status: criteria provided, single submitter. Criteria: Ambry Variant Classification Scheme 2023. Collection method: clinical testing. Allele origin: germline.
Comment: The c.197C>T (p.A66V) alteration is located in exon 3 (coding exon 3) of the WDR4 gene. This alteration results from a C to T substitution at nucleotide position 197, causing the alanine (A) at amino acid position 66 to be replaced by a valine (V). Based on data from gnomAD, the T allele has an overall frequency of 0.01% (28/282806) total alleles studied. The highest observed frequency was 0.045% (9/19948) of East Asian alleles. Based on insufficient or conflicting evidence, the clinical significance of this alteration remains unclear.